The following is an entry in ClinVar:

ClinVar aggregate classification (germline): Conflicting classifications of pathogenicity. Review status: criteria provided, conflicting classifications (1 of 4 stars). 8 submissions from 8 submitters: Uncertain significance (1); Benign (2); Likely benign (5). Last evaluated 2026-02-03.

Conditions:
Inborn genetic diseases. Identifiers: MedGen C0950123, MeSH D030342.
Pitt-Hopkins-like syndrome 2 (PTHSL2). Identifiers: Orphanet 221150, Orphanet 600663, MedGen C3280479, MONDO:0013690, OMIM 614325.

Allele frequency attached by ClinVar (database versions not stated): ESP Exome Variant Server 0.00008; gnomAD 0.00010; gnomAD exomes 0.00014 and 0.00033; 1000 Genomes Project 30x 0.00016; 1000 Genomes Project 0.00020; TOPMed 0.00020; ExAC 0.00026.
gnomAD v4.1: 247 of 1,611,922 alleles (0.015%); highest among the groups gnomAD compares: Admixed American, 0.064%; no homozygotes.

Submissions (8):

Labcorp Genetics (formerly Invitae), Labcorp
Classification: Likely benign for Pitt-Hopkins-like syndrome 2. Last evaluated: 2026-02-03. Review status: criteria provided, single submitter. Criteria: Invitae Variant Classification Sherloc (09022015). Collection method: clinical testing. Allele origin: germline.

Laboratory of Genetics, Children's Clinical University Hospital Latvia
Classification: Likely benign. Last evaluated: 2025-02-16. Review status: criteria provided, single submitter. Criteria: ACMG Guidelines, 2015. Collection method: clinical testing. Allele origin: germline. Affected: yes.

Blueprint Genetics
Classification: Likely benign. Last evaluated: 2024-02-19. Review status: criteria provided, single submitter. Criteria: ACMG Guidelines, 2015. Collection method: clinical testing. Allele origin: germline.

Ambry Genetics
Classification: Likely benign for Inborn genetic diseases. Last evaluated: 2020-03-25. Review status: criteria provided, single submitter. Criteria: Ambry Variant Classification Scheme 2023. Collection method: clinical testing. Allele origin: germline.

Athena Diagnostics
Classification: Benign. Last evaluated: 2019-07-01. Review status: criteria provided, single submitter. Criteria: Athena Diagnostics Criteria. Collection method: clinical testing. Allele origin: germline.

Illumina Laboratory Services, Illumina
Classification: Uncertain significance for Pitt-Hopkins-like syndrome 2. Last evaluated: 2018-01-12. Review status: criteria provided, single submitter. Criteria: ICSL Variant Classification Criteria 13 December 2019. Collection method: clinical testing. Allele origin: germline.

Genetic Services Laboratory, University of Chicago
Classification: Likely benign. Last evaluated: 2016-01-08. Review status: criteria provided, single submitter. Criteria: ACMG Guidelines, 2015. Collection method: clinical testing. Allele origin: germline. Affected: no.

GeneDx
Classification: Benign. Last evaluated: 2014-10-06. Review status: criteria provided, single submitter. Criteria: GeneDx Variant Classification (06012015). Collection method: clinical testing. Allele origin: germline. Affected: yes.
Comment: This variant is considered likely benign or benign based on one or more of the following criteria: it is a conservative change, it occurs at a poorly conserved position in the protein, it is predicted to be benign by multiple in silico algorithms, and/or has population frequency not consistent with disease.

NM_001330078.2(NRXN1):c.3090A>C (p.Gly1030=)

Gene: NRXN1 (neurexin 1; minus strand). Cytogenetic location: 2p16.3.
Variant type: single nucleotide variant.
Coding change: c.3090A>C on transcript NM_001330078.2 (MANE Select); coding-DNA position 3090, A replaced by C.
Protein change: p.Gly1030=; no amino-acid change (glycine 1030 retained).
Molecular consequence: synonymous variant.
Genome position (GRCh38, 1-based): chr2:50,472,452, T>G on the plus strand (A>C on the coding strand, the complement: NRXN1 is on the minus strand). VCF-style: chr2-50472452-T-G. GRCh37 (hg19) VCF-style: chr2-50699590-T-G.
Other names: p.G1070G:GGA>GGC; c.3210A>C, p.Gly1070= (NM_001135659.3); c.3066A>C, p.Gly1022= (NM_001330077.2, NM_001330082.2); c.3024A>C, p.Gly1008= (NM_001330083.2, NM_001330084.2); c.3063A>C, p.Gly1021= (NM_001330085.2); c.3090A>C, p.Gly1030= (NM_001330086.2, NM_004801.6); c.2979A>C, p.Gly993= (NM_001330087.2, NM_001330096.2); c.3009A>C, p.Gly1003= (NM_001330088.2); and 3 more.
Identifiers: ClinVar variation 206207 (VCV000206207.24), dbSNP rs201886024, ClinGen allele CA316065.
Genomic context (GRCh38, chr2:50,472,452, plus strand): 5'-TTGAAAGCCTTCTTTGGCATGTACAAGTTTTGGTAAGGATTTGTATGTTTCTTTAGCTAC[T>G]CCTCCTATATATAAGTCACCTGCAAGAAGATCAAAGTCTTTGTTACAAAAGTACCATGTC-3'
Protein context (NP_001317007.1, residues 1020-1040): LDLKSDLYIG[Gly1030=]VAKETYKSLP